The following is an entry in ClinVar:

ClinVar aggregate classification (germline): Likely benign (0 of 4 stars; one submission).

Conditions:
GNAS-related disorder. Identifiers: MedGen CN380105.

Submission:

PreventionGenetics, part of Exact Sciences
Classification: Likely benign for GNAS-related condition. Last evaluated: 2023-11-01. Review status: no assertion criteria provided. Collection method: clinical testing. Allele origin: germline.
Comment: This variant is classified as likely benign based on ACMG/AMP sequence variant interpretation guidelines (Richards et al. 2015 PMID: 25741868, with internal and published modifications).

NM_016592.5(GNAS):c.132C>A (p.Ala44=)

Genes: GNAS (GNAS complex locus; plus strand), GNAS-AS1 (GNAS antisense RNA 1; minus strand). Cytogenetic location: 20q13.32.
Variant type: single nucleotide variant.
Coding change: c.132C>A on transcript NM_016592.5 (MANE Plus Clinical); coding-DNA position 132, C replaced by A.
Protein change: p.Ala44=; no amino-acid change (alanine 44 retained).
Molecular consequence: synonymous variant. On other transcripts: 5 prime UTR variant (1).
Genome position (GRCh38, 1-based): chr20:58,840,238, C>A. VCF-style: chr20-58840238-C-A. GRCh37 (hg19) VCF-style: chr20-57415293-C-A.
Other names: c.-606C>A (NM_001410912.1).
Identifiers: ClinVar variation 3351162 (VCV003351162.1).
Genomic context (GRCh38, chr20:58,840,238, plus strand): 5'-AGGCCGCCGGGCAGCCACCGCGCTCCTCTGGCTCTCCTGCTCCATCGCGCTCCTCCGCGC[C>A]CTTGCCACCTCCAACGCCCGTGCCCAGCAGCGCGCGGCTGCCCAACAGCGCCGGAGCTTC-3'
Protein context (NP_057676.1, residues 34-54): WLSCSIALLR[Ala44=]LATSNARAQQ